The following is an entry in ClinVar:

NM_014391.3(ANKRD1):c.466G>C (p.Ala156Pro)

Gene: ANKRD1 (ankyrin repeat domain 1; minus strand). Cytogenetic location: 10q23.31.
Variant type: single nucleotide variant.
Coding change: c.466G>C on transcript NM_014391.3 (MANE Select); coding-DNA position 466, G replaced by C.
Protein change: p.Ala156Pro; replaces alanine 156 with proline.
Molecular consequence: missense variant.
Genome position (GRCh38, 1-based): chr10:90,917,818, C>G on the plus strand (G>C on the coding strand, the complement: ANKRD1 is on the minus strand). VCF-style: chr10-90917818-C-G. GRCh37 (hg19) VCF-style: chr10-92677575-C-G.
Other names: short protein forms A156P.
Identifiers: ClinVar variation 653877 (VCV000653877.10), dbSNP rs762882780, ClinGen allele CA377551733.

ClinVar aggregate classification (germline): Uncertain significance. Review status: criteria provided, multiple submitters, no conflicts (2 of 4 stars). 2 submissions from 2 submitters: Uncertain significance (2). Last evaluated 2025-09-04.

Conditions:
Cardiovascular phenotype. Identifiers: MedGen CN230736.
ANKRD1-related dilated cardiomyopathy. Identifiers: MedGen CN119551.

gnomAD v4.1: 1 of 1,613,784 alleles (0.000062%); highest among the groups gnomAD compares: Non-Finnish European, 0.000085%; no homozygotes.

Submissions (2):

Labcorp Genetics (formerly Invitae), Labcorp
Classification: Uncertain significance for ANKRD1-related dilated cardiomyopathy. Last evaluated: 2025-09-04. Review status: criteria provided, single submitter. Criteria: Invitae Variant Classification Sherloc (09022015). Collection method: clinical testing. Allele origin: germline.
Comment: This sequence change replaces alanine, which is neutral and non-polar, with proline, which is neutral and non-polar, at codon 156 of the ANKRD1 protein (p.Ala156Pro). This variant is not present in population databases (gnomAD no frequency). This variant has not been reported in the literature in individuals affected with ANKRD1-related conditions. ClinVar contains an entry for this variant (Variation ID: 653877). Invitae Evidence Modeling of protein sequence and biophysical properties (such as structural, functional, and spatial information, amino acid conservation, physicochemical variation, residue mobility, and thermodynamic stability) has been performed for this missense variant. However, the output from this modeling did not meet the statistical confidence thresholds required to predict the impact of this variant on ANKRD1 protein function. In summary, the available evidence is currently insufficient to determine the role of this variant in disease. Therefore, it has been classified as a Variant of Uncertain Significance.

Ambry Genetics
Classification: Uncertain significance for Cardiovascular phenotype. Last evaluated: 2024-03-28. Review status: criteria provided, single submitter. Criteria: Ambry Variant Classification Scheme 2023. Collection method: clinical testing. Allele origin: germline.
Comment: The p.A156P variant (also known as c.466G>C), located in coding exon 5 of the ANKRD1 gene, results from a G to C substitution at nucleotide position 466. The alanine at codon 156 is replaced by proline, an amino acid with highly similar properties. This amino acid position is highly conserved in available vertebrate species. In addition, this alteration is predicted to be deleterious by in silico analysis. Since supporting evidence is limited at this time, the clinical significance of this alteration remains unclear.